The following is an entry in ClinVar:

NM_000038.6(APC):c.1409-2342G>C

Gene: APC (APC regulator of WNT signaling pathway; plus strand). Cytogenetic location: 5q22.2.
Variant type: single nucleotide variant.
Coding change: c.1409-2342G>C on transcript NM_000038.6 (MANE Select); 2342 bases into the intron before coding-DNA position 1409, G replaced by C.
Molecular consequence: intron variant.
Genome position (GRCh38, 1-based): chr5:112,824,766, G>C. VCF-style: chr5-112824766-G-C. GRCh37 (hg19) VCF-style: chr5-112160463-G-C.
Other names: c.1409-2342G>C (NM_001354895.2, NM_001127510.3); c.1439-2342G>C (NM_001354897.2); c.1136-2342G>C (NM_001354902.2); c.1355-2342G>C (NM_001127511.3); c.1334-2342G>C (NM_001354898.2); c.1031-2342G>C (NM_001354904.2); c.560-2342G>C (NM_001354906.2); c.1462+1406G>C (NM_001354896.2); and 5 more.
Identifiers: ClinVar variation 83147 (VCV000083147.2), dbSNP rs77948403, ClinGen allele CA005040.

ClinVar aggregate classification (germline): other (0 of 4 stars; one submission).

Conditions:
Familial colorectal cancer. Identifiers: MedGen CN280943, MONDO:0023113. Disease mechanism: loss of function.

Submission:

Systems Biology Platform Zhejiang California International NanoSystems Institute
Classification: other for Familial colorectal cancer. Review status: no assertion criteria provided. Collection method: not provided. Allele origin: unknown.
ClinVar note: Converted during submission from cancer to other.